The following is an entry in ClinVar:

NM_001267550.2(TTN):c.24606G>A (p.Val8202=)

Gene: TTN (titin; minus strand). Cytogenetic location: 2q31.2.
Variant type: single nucleotide variant.
Coding change: c.24606G>A on transcript NM_001267550.2 (MANE Select); coding-DNA position 24606, G replaced by A.
Protein change: p.Val8202=; no amino-acid change (valine 8202 retained).
Molecular consequence: synonymous variant. On other transcripts: intron variant (3).
Genome position (GRCh38, 1-based): chr2:178,718,500, C>T on the plus strand (G>A on the coding strand, the complement: TTN is on the minus strand). VCF-style: chr2-178718500-C-T. GRCh37 (hg19) VCF-style: chr2-179583227-C-T.
Other names: c.23655G>A, p.Val7885= (NM_001256850.1); c.20874G>A, p.Val6958= (NM_133378.4); c.13282+19582G>A (NM_003319.4); c.13858+19582G>A (NM_133437.4); c.13657+19582G>A (NM_133432.3).
Identifiers: ClinVar variation 3760547 (VCV003760547.3).
Genomic context (GRCh38, chr2:178,718,500, plus strand): 5'-TGTCATAGTAATACTGCATCTCTCAGATTGTGAAATAAGATACTCGTCCTTTATCCAGCT[C>T]ACTGAGATTGGAGGTGTGCCAGTGTATGTGGCCTCGAGAACTATGGGGCTTCCTGTCTCA-3'
Protein context (NP_001254479.2, residues 8192-8212): ATYTGTPPIS[Val8202=]SWIKDEYLIS

ClinVar aggregate classification (germline): Conflicting classifications of pathogenicity. Review status: criteria provided, conflicting classifications (1 of 4 stars). 2 submissions from 2 submitters: Uncertain significance (1); Likely benign (1). Last evaluated 2026-02-10.

Conditions:
Dilated cardiomyopathy 1G (CMD1G). Identifiers: Orphanet 154, MedGen C1858763, MONDO:0011400, OMIM 604145.
Autosomal recessive limb-girdle muscular dystrophy type 2J (LGMDR10). Also called: Limb-girdle muscular dystrophy, type 2J; MUSCULAR DYSTROPHY, LIMB-GIRDLE, AUTOSOMAL RECESSIVE 10. Identifiers: Orphanet 140922, MedGen C1837342, MONDO:0012127, OMIM 608807.

gnomAD v4.1: 7 of 1,613,680 alleles (0.00043%); highest among the groups gnomAD compares: African/African-American, 0.0027%; no homozygotes.

Submissions (2):

GeneDx
Classification: Uncertain significance. Last evaluated: 2026-02-10. Review status: criteria provided, single submitter. Criteria: GeneDx Variant Classification Process June 2021. Collection method: clinical testing. Allele origin: germline.
Comment: Not observed at significant frequency in large population cohorts (gnomAD); Has not been previously published as pathogenic or benign to our knowledge; In silico analysis suggests this variant may impact gene splicing. In the absence of RNA/functional studies, the actual effect of this sequence change is unknown.

Labcorp Genetics (formerly Invitae), Labcorp
Classification: Likely benign for Dilated cardiomyopathy 1G; Autosomal recessive limb-girdle muscular dystrophy type 2J. Last evaluated: 2025-03-06. Review status: criteria provided, single submitter. Criteria: Invitae Variant Classification Sherloc (09022015). Collection method: clinical testing. Allele origin: germline.